The following is an entry in ClinVar:

NM_001365276.2(TNXB):c.9388G>A (p.Gly3130Ser)

Gene: TNXB (tenascin XB; minus strand). Cytogenetic location: 6p21.33.
Variant type: single nucleotide variant.
Coding change: c.9388G>A on transcript NM_001365276.2 (MANE Select); coding-DNA position 9388, G replaced by A.
Protein change: p.Gly3130Ser; replaces glycine 3130 with serine.
Molecular consequence: missense variant.
Genome position (GRCh38, 1-based): chr6:32,050,049, C>T on the plus strand (G>A on the coding strand, the complement: TNXB is on the minus strand). VCF-style: chr6-32050049-C-T. GRCh37 (hg19) VCF-style: chr6-32017826-C-T.
Other names: c.9382G>A, p.Gly3128Ser (NM_019105.8); short protein forms G3130S, G3128S.
Identifiers: ClinVar variation 2560882 (VCV002560882.2), dbSNP rs1207399055, ClinGen allele CA363540066.

ClinVar aggregate classification (germline): Uncertain significance (1 of 4 stars; one submission).

Conditions:
Cardiovascular phenotype. Identifiers: MedGen CN230736.

Allele frequency attached by ClinVar (database versions not stated): gnomAD exomes below 0.00001; TOPMed 0.00001.
gnomAD v4.1: 2 of 1,613,820 alleles (0.00012%); highest among the groups gnomAD compares: Admixed American, 0.0017%; no homozygotes.

Submission:

Ambry Genetics
Classification: Uncertain significance for Cardiovascular phenotype. Last evaluated: 2023-05-11. Review status: criteria provided, single submitter. Criteria: Ambry Variant Classification Scheme 2023. Collection method: clinical testing. Allele origin: germline.
Comment: The p.G3128S variant (also known as c.9382G>A), located in coding exon 26 of the TNXB gene, results from a G to A substitution at nucleotide position 9382. The glycine at codon 3128 is replaced by serine, an amino acid with similar properties. This amino acid position is conserved. In addition, this alteration is predicted to be tolerated by in silico analysis. Since supporting evidence is limited at this time, the clinical significance of this alteration remains unclear.